The following is an entry in ClinVar:

NM_001457.4(FLNB):c.4419C>A (p.Asp1473Glu)

Gene: FLNB (filamin B; plus strand). Cytogenetic location: 3p14.3.
Variant type: single nucleotide variant.
Coding change: c.4419C>A on transcript NM_001457.4 (MANE Select); coding-DNA position 4419, C replaced by A.
Protein change: p.Asp1473Glu; replaces aspartic acid 1473 with glutamic acid.
Molecular consequence: missense variant.
Genome position (GRCh38, 1-based): chr3:58,132,836, C>A. VCF-style: chr3-58132836-C-A. GRCh37 (hg19) VCF-style: chr3-58118563-C-A.
Other names: c.4512C>A, p.Asp1504Glu (NM_001164317.2); c.4419C>A, p.Asp1473Glu (NM_001164318.2, NM_001164319.2); short protein forms D1473E, D1504E.
Identifiers: ClinVar variation 3367140 (VCV003367140.1).
Genomic context (GRCh38, chr3:58,132,836, plus strand): 5'-CAGCTCCTTAAACCTCTCATCTCTGTCCTCAGGCTTGGTGGAGCCAGTGAACGTGGTGGA[C>A]AATGGAGATGGCACACACACAGTAACCTACACCCCATCTCAGGAGGGACCTTACATGGTC-3'
Protein context (NP_001448.2, residues 1463-1483): RGLVEPVNVV[Asp1473Glu]NGDGTHTVTY

ClinVar aggregate classification (germline): Uncertain significance (1 of 4 stars; one submission).

Conditions:
Larsen syndrome (LRS). Also called: Bilateral dislocation of the knees, pes cavus, cylindrically shaped fingers and characteristic facies; Larsen syndrome (FLNB-LS). Identifiers: Orphanet 503, MedGen C0175778, MONDO:0007875, OMIM 150250. Disease mechanism: loss of function.

gnomAD v4.1: 8 of 1,613,752 alleles (0.0005%); highest among the groups gnomAD compares: South Asian, 0.0066%; no homozygotes.

Submission:

Neuberg Centre For Genomic Medicine, NCGM
Classification: Uncertain significance for Larsen syndrome. Last evaluated: 2023-05-20. Review status: criteria provided, single submitter. Criteria: ACMG Guidelines, 2015. Collection method: clinical testing. Allele origin: germline. Inheritance: Autosomal dominant inheritance. Affected: yes.
Comment: The observed missense variant c.4419C>A(p.Asp1473Glu) in FLNB gene has not been reported previously as a pathogenic variant nor as a benign variant, to our knowledge. The c.4419C>A variant has 0.001% allele frequency in gnomAD Exomes. The amino acid Aspartic acid at position 1473 is changed to a Glutamic acid changing protein sequence and it might alter its composition and physico-chemical properties. Multiple lines of computational evidence (Polyphen, SIFT and Mutation Taster) predict a damaging effect on protein structure and function for this variant. The reference amino acid in FLNB is predicted as conserved by GERP++ and PhyloP across 100 vertebrates. For these reasons, this variant has been classified as Uncertain Significance.